The following is an entry in ClinVar:

NM_017827.4(SARS2):c.*99T>G

Gene: SARS2 (seryl-tRNA synthetase 2, mitochondrial; minus strand). Cytogenetic location: 19q13.2.
Variant type: single nucleotide variant.
Coding change: c.*99T>G on transcript NM_017827.4 (MANE Select); 99 bases downstream of the stop codon, T replaced by G.
Molecular consequence: 3 prime UTR variant.
Genome position (GRCh38, 1-based): chr19:38,915,507, A>C on the plus strand (T>G on the coding strand, the complement: SARS2 is on the minus strand). VCF-style: chr19-38915507-A-C. GRCh37 (hg19) VCF-style: chr19-39406147-A-C.
Other names: c.*99T>G (NM_001145901.2).
Identifiers: ClinVar variation 893233 (VCV000893233.5), dbSNP rs74399089, ClinGen allele CA9422653.

ClinVar aggregate classification (germline): Likely benign. Review status: criteria provided, multiple submitters, no conflicts (2 of 4 stars). 2 submissions from 2 submitters: Likely benign (2). Last evaluated 2018-01-12.

Conditions:
Hyperuricemia, pulmonary hypertension, renal failure, alkalosis syndrome (HUPRAS). Also called: HYPERURICEMIA, PULMONARY HYPERTENSION, RENAL FAILURE, AND ALKALOSIS SYNDROME; HUPRA SYNDROME. Identifiers: Orphanet 363694, MedGen C3151209, MONDO:0013458, OMIM 613845.

Allele frequency attached by ClinVar (database versions not stated): gnomAD exomes 0.00415; ExAC 0.00531; gnomAD 0.01124 and 0.01201; TOPMed 0.01218; 1000 Genomes Project 0.01418; 1000 Genomes Project 30x 0.01515.
gnomAD v4.1: 4,568 of 1,438,862 alleles (0.32%); highest among the groups gnomAD compares: African/African-American, 3.6%; 61 homozygotes.

Submissions (2):

Illumina Laboratory Services, Illumina
Classification: Likely benign for Hyperuricemia, pulmonary hypertension, renal failure, alkalosis syndrome. Last evaluated: 2018-01-12. Review status: criteria provided, single submitter. Criteria: ICSL Variant Classification Criteria 13 December 2019. Collection method: clinical testing. Allele origin: germline.
Comment: This variant was observed in the ICSL laboratory as part of a predisposition screen in an ostensibly healthy population. It had not been previously curated by ICSL or reported in the Human Gene Mutation Database (HGMD: prior to June 1st, 2018), and was therefore a candidate for classification through an automated scoring system. Utilizing variant allele frequency, disease prevalence and penetrance estimates, and inheritance mode, an automated score was calculated to assess if this variant is too frequent to cause the disease. Based on the score and internal cut-off values, a variant classified as likely benign is not then subjected to further curation. The score for this variant resulted in a classification of likely benign for this disease.

Breakthrough Genomics
Classification: Likely benign. Review status: criteria provided, single submitter. Criteria: ACMG Guidelines, 2015. Collection method: not provided. Allele origin: germline. Inheritance: Autosomal recessive inheritance. Affected: yes.